The following is an entry in ClinVar:

ClinVar aggregate classification (germline): Uncertain significance (1 of 4 stars; one submission).

gnomAD v4.1: 2 of 1,614,218 alleles (0.00012%); highest among the groups gnomAD compares: Non-Finnish European, 0.00017%; no homozygotes.

Submission:

Ambry Genetics
Classification: Uncertain significance. Last evaluated: 2024-05-06. Review status: criteria provided, single submitter. Criteria: Ambry Variant Classification Scheme 2023. Collection method: clinical testing. Allele origin: germline.
Comment: The p.A347T variant (also known as c.1039G>A), located in coding exon 8 of the PDLIM3 gene, results from a G to A substitution at nucleotide position 1039. The alanine at codon 347 is replaced by threonine, an amino acid with similar properties. This amino acid position is conserved. In addition, this alteration is predicted to be tolerated by in silico analysis. Based on the available evidence, the clinical significance of this variant remains unclear.

NM_014476.6(PDLIM3):c.1039G>A (p.Ala347Thr)

Gene: PDLIM3 (PDZ and LIM domain 3; minus strand). Cytogenetic location: 4q35.1.
Variant type: single nucleotide variant.
Coding change: c.1039G>A on transcript NM_014476.6 (MANE Select); coding-DNA position 1039, G replaced by A.
Protein change: p.Ala347Thr; replaces alanine 347 with threonine.
Molecular consequence: missense variant. On other transcripts: non-coding transcript variant (1).
Genome position (GRCh38, 1-based): chr4:185,502,350, C>T on the plus strand (G>A on the coding strand, the complement: PDLIM3 is on the minus strand). VCF-style: chr4-185502350-C-T. GRCh37 (hg19) VCF-style: chr4-186423504-C-T.
Other names: c.895G>A, p.Ala299Thr (NM_001114107.5); c.775G>A, p.Ala259Thr (NM_001257962.2); c.538G>A, p.Ala180Thr (NM_001257963.2); short protein forms A347T, A180T, A299T, A259T.
Identifiers: ClinVar variation 3305566 (VCV003305566.1).